The following is an entry in ClinVar:

ClinVar aggregate classification (germline): Uncertain significance (1 of 4 stars; one submission).

Allele frequency attached by ClinVar (database versions not stated): gnomAD exomes 0.00001; ExAC 0.00002; TOPMed 0.00003; gnomAD 0.00004.
gnomAD v4.1: 5 of 1,209,602 alleles (0.00041%); highest among the groups gnomAD compares: African/African-American, 0.007%; no homozygotes.

Submission:

Labcorp Genetics (formerly Invitae), Labcorp
Classification: Uncertain significance. Last evaluated: 2024-05-17. Review status: criteria provided, single submitter. Criteria: Invitae Variant Classification Sherloc (09022015). Collection method: clinical testing. Allele origin: germline.
Comment: This sequence change replaces proline, which is neutral and non-polar, with leucine, which is neutral and non-polar, at codon 857 of the NEXMIF protein (p.Pro857Leu). This variant is present in population databases (rs758329821, gnomAD 0.02%), including at least one homozygous and/or hemizygous individual. This variant has not been reported in the literature in individuals affected with NEXMIF-related conditions. ClinVar contains an entry for this variant (Variation ID: 650463). An algorithm developed to predict the effect of missense changes on protein structure and function (PolyPhen-2) suggests that this variant is likely to be tolerated. In summary, the available evidence is currently insufficient to determine the role of this variant in disease. Therefore, it has been classified as a Variant of Uncertain Significance.

NM_001008537.3(NEXMIF):c.2570C>T (p.Pro857Leu)

Gene: NEXMIF (neurite extension and migration factor; minus strand). Cytogenetic location: Xq13.3.
Variant type: single nucleotide variant.
Coding change: c.2570C>T on transcript NM_001008537.3 (MANE Select); coding-DNA position 2570, C replaced by T.
Protein change: p.Pro857Leu; replaces proline 857 with leucine.
Molecular consequence: missense variant.
Genome position (GRCh38, 1-based): chrX:74,741,987, G>A on the plus strand (C>T on the coding strand, the complement: NEXMIF is on the minus strand). VCF-style: chrX-74741987-G-A. GRCh37 (hg19) VCF-style: chrX-73961822-G-A.
Other names: short protein forms P857L.
Identifiers: ClinVar variation 650463 (VCV000650463.10), dbSNP rs758329821, ClinGen allele CA10455030.
Genomic context (GRCh38, chrX:74,741,987, plus strand): 5'-TTATGAGATGACTGCTGCAGCTCAGAGTCAGAGGATGAGGTGAGCACACAGTCCTGGGTA[G>A]GCTGGAGGGGTACAAATGATTTTTCGGTTTGAGTGAGGCTGCCTTCATTTTGCTCTGGAG-3'
Protein context (NP_001008537.1, residues 847-867): QTEKSFVPLQ[Pro857Leu]TQDCVLTSSS